The following is an entry in ClinVar:

ClinVar aggregate classification (germline): Uncertain significance (1 of 4 stars; one submission).

Conditions:
KSR2-related disorder. Also called: KSR2-related condition.

Allele frequency attached by ClinVar (database versions not stated): gnomAD exomes 0.00001; TOPMed 0.00001.

Submission:

PreventionGenetics, part of Exact Sciences
Classification: Uncertain significance for KSR2-related condition. Last evaluated: 2023-09-01. Review status: criteria provided, single submitter. Criteria: ACMG Guidelines, 2015. Collection method: clinical testing. Allele origin: germline.
Comment: The KSR2 c.2723G>A variant is predicted to result in the amino acid substitution p.Arg908His. To our knowledge, this variant has not been reported in the literature or in a large population database, indicating this variant is rare. At this time, the clinical significance of this variant is uncertain due to the absence of conclusive functional and genetic evidence.

NM_173598.6(KSR2):c.2810G>A (p.Arg937His)

Gene: KSR2 (kinase suppressor of ras 2; minus strand). Cytogenetic location: 12q24.22.
Variant type: single nucleotide variant.
Coding change: c.2810G>A on transcript NM_173598.6 (MANE Select); coding-DNA position 2810, G replaced by A.
Protein change: p.Arg937His; replaces arginine 937 with histidine.
Molecular consequence: missense variant.
Genome position (GRCh38, 1-based): chr12:117,469,698, C>T on the plus strand (G>A on the coding strand, the complement: KSR2 is on the minus strand). VCF-style: chr12-117469698-C-T. GRCh37 (hg19) VCF-style: chr12-117907503-C-T.
Other names: short protein forms R937H.
Identifiers: ClinVar variation 2634120 (VCV002634120.1), dbSNP rs34526243, ClinGen allele CA245045060.
Genomic context (GRCh38, chr12:117,469,698, plus strand): 5'-GAGACATTAAGGGAGAAAACCTACTCTGCAGACTTCCAGAAATGTCCAGGGTGAGACAGG[C>T]GACGGTTTCGCTTTGGCAGTTTCTCCAGCATGTCCATGAGCTTGGTGAAGGTAGGTCTCT-3'
Protein context (NP_775869.4, residues 927-947): MLEKLPKRNR[Arg937His]LSHPGHFWKS